The following is an entry in ClinVar:

ClinVar aggregate classification (germline): Uncertain significance (1 of 4 stars; one submission).

Allele frequency attached by ClinVar (database versions not stated): gnomAD exomes 0.00001 and 0.00002; ExAC 0.00002; TOPMed 0.00002.
gnomAD v4.1: 4 of 1,613,860 alleles (0.00025%); highest among the groups gnomAD compares: Admixed American, 0.0067%; no homozygotes.

Submission:

Labcorp Genetics (formerly Invitae), Labcorp
Classification: Uncertain significance. Last evaluated: 2025-06-01. Review status: criteria provided, single submitter. Criteria: Invitae Variant Classification Sherloc (09022015). Collection method: clinical testing. Allele origin: germline.
Comment: This sequence change replaces cysteine, which is neutral and slightly polar, with arginine, which is basic and polar, at codon 54 of the ADIPOR1 protein (p.Cys54Arg). This variant is present in population databases (rs760949189, gnomAD 0.01%). This variant has not been reported in the literature in individuals affected with ADIPOR1-related conditions. ClinVar contains an entry for this variant (Variation ID: 1523662). An algorithm developed to predict the effect of missense changes on protein structure and function outputs the following: PolyPhen-2: "Benign". The arginine amino acid residue is found in multiple mammalian species, which suggests that this missense change does not adversely affect protein function. In summary, the available evidence is currently insufficient to determine the role of this variant in disease. Therefore, it has been classified as a Variant of Uncertain Significance.

NM_015999.6(ADIPOR1):c.160T>C (p.Cys54Arg)

Gene: ADIPOR1 (adiponectin receptor 1; minus strand). Cytogenetic location: 1q32.1.
Variant type: single nucleotide variant.
Coding change: c.160T>C on transcript NM_015999.6 (MANE Select); coding-DNA position 160, T replaced by C.
Protein change: p.Cys54Arg; replaces cysteine 54 with arginine.
Molecular consequence: missense variant.
Genome position (GRCh38, 1-based): chr1:202,948,402, A>G on the plus strand (T>C on the coding strand, the complement: ADIPOR1 is on the minus strand). VCF-style: chr1-202948402-A-G. GRCh37 (hg19) VCF-style: chr1-202917530-A-G.
Other names: c.160T>C, p.Cys54Arg (NM_001290553.2, NM_001290557.1, NM_001290629.1); short protein forms C54R.
Identifiers: ClinVar variation 1523662 (VCV001523662.6), dbSNP rs760949189, ClinGen allele CA1336010.
Genomic context (GRCh38, chr1:202,948,402, plus strand): 5'-GGGCTTGCAGGGGAAGTGTCAGTACCCGCACCTCCTCCTCTTCTTCCTGGGGCACTGGGC[A>G]TGTTTGCTCTTCTTCAGCCTATGGGGGAAAAAACCCACAACAATCCAGGGAGTCATCTCA-3'
Protein context (NP_057083.2, residues 44-64): NPPKAEEEQT[Cys54Arg]PVPQEEEEEV